The following is an entry in ClinVar:

ClinVar aggregate classification (germline): Uncertain significance. Review status: criteria provided, multiple submitters, no conflicts (2 of 4 stars). 2 submissions from 2 submitters: Uncertain significance (2). Last evaluated 2026-04-14.

Conditions:
Cardiovascular phenotype. Identifiers: MedGen CN230736.
Desmin-related myofibrillar myopathy (MFM1). Also called: Desminopathy; Desmin related myopathy (former name); Desmin storage myopathy (former name); Myofibrillar myopathy 1; MYOFIBRILLAR MYOPATHY WITH ARRHYTHMOGENIC RIGHT VENTRICULAR CARDIOMYOPATHY; DESMIN-RELATED MYOPATHY WITH ARRHYTHMOGENIC RIGHT VENTRICULAR CARDIOMYOPATHY. Identifiers: Orphanet 363543, Orphanet 98909, MedGen C1832370, MONDO:0011076, OMIM 601419.

Submissions (2):

Ambry Genetics
Classification: Uncertain significance for Cardiovascular phenotype. Last evaluated: 2026-04-14. Review status: criteria provided, single submitter. Criteria: Ambry Variant Classification Scheme 2023. Collection method: clinical testing. Allele origin: germline.
Comment: The p.S6L variant (also known as c.17C>T), located in coding exon 1 of the DES gene, results from a C to T substitution at nucleotide position 17. The serine at codon 6 is replaced by leucine, an amino acid with dissimilar properties. This amino acid position is well conserved in available vertebrate species. In addition, the in silico prediction for this alteration is inconclusive. Based on the available evidence, the clinical significance of this variant remains unclear.

Labcorp Genetics (formerly Invitae), Labcorp
Classification: Uncertain significance for Desmin-related myofibrillar myopathy. Last evaluated: 2018-01-09. Review status: criteria provided, single submitter. Criteria: Invitae Variant Classification Sherloc (09022015). Collection method: clinical testing. Allele origin: germline.
Comment: In summary, the available evidence is currently insufficient to determine the role of this variant in disease. Therefore, it has been classified as a Variant of Uncertain Significance. Algorithms developed to predict the effect of missense changes on protein structure and function do not agree on the potential impact of this missense change (SIFT: "Deleterious"; PolyPhen-2: "Benign"; Align-GVGD: "Class C0"). This variant has not been reported in the literature in individuals with DES-related disease. This variant is not present in population databases (ExAC no frequency). This sequence change replaces serine with leucine at codon 6 of the DES protein (p.Ser6Leu). The serine residue is highly conserved and there is a large physicochemical difference between serine and leucine.

NM_001927.4(DES):c.17C>T (p.Ser6Leu)

Gene: DES (desmin; plus strand). Cytogenetic location: 2q35.
Variant type: single nucleotide variant.
Coding change: c.17C>T on transcript NM_001927.4 (MANE Select); coding-DNA position 17, C replaced by T.
Protein change: p.Ser6Leu; replaces serine 6 with leucine.
Molecular consequence: missense variant.
Genome position (GRCh38, 1-based): chr2:219,418,479, C>T. VCF-style: chr2-219418479-C-T. GRCh37 (hg19) VCF-style: chr2-220283201-C-T.
Other names: c.17C>T (LRG_380t1); short protein forms S6L.
Identifiers: ClinVar variation 572025 (VCV000572025.10), dbSNP rs1214936508, ClinGen allele CA350682084.
Genomic context (GRCh38, chr2:219,418,479, plus strand): 5'-GCCGCCTCCTCCGTGCGCCCGCCAGCCTCGCCCGCGCCGTCACCATGAGCCAGGCCTACT[C>T]GTCCAGCCAGCGCGTGTCCTCCTACCGCCGCACCTTCGGCGGGGCCCCGGGCTTCCCACT-3'
Protein context (NP_001918.3, residues 1-16): MSQAY[Ser6Leu]SSQRVSSYRR